The following is an entry in ClinVar:

ClinVar aggregate classification (germline): Uncertain significance. Review status: criteria provided, multiple submitters, no conflicts (2 of 4 stars). 2 submissions from 2 submitters: Uncertain significance (2). Last evaluated 2024-07-24.

Conditions:
Hereditary cancer-predisposing syndrome. Also called: Hereditary neoplastic syndrome; Tumor predisposition; Neoplastic Syndromes, Hereditary; Hereditary Cancer Syndrome. Identifiers: Orphanet 140162, MedGen C0027672, MeSH D009386, MONDO:0015356.
Oligodontia-cancer predisposition syndrome. Also called: TOOTH AGENESIS-COLORECTAL CANCER SYNDROME. Identifiers: Orphanet 300576, MedGen C1837750, MONDO:0012075, OMIM 608615. Disease mechanism: loss of function.

Allele frequency attached by ClinVar (database versions not stated): gnomAD exomes below 0.00001.
gnomAD v4.1: 2 of 1,613,712 alleles (0.00012%); highest among the groups gnomAD compares: Non-Finnish European, 0.00017%; no homozygotes.

Submissions (2):

Labcorp Genetics (formerly Invitae), Labcorp
Classification: Uncertain significance for Oligodontia-cancer predisposition syndrome. Last evaluated: 2024-07-24. Review status: criteria provided, single submitter. Criteria: Invitae Variant Classification Sherloc (09022015). Collection method: clinical testing. Allele origin: germline.
Comment: This sequence change replaces tryptophan, which is neutral and slightly polar, with serine, which is neutral and polar, at codon 620 of the AXIN2 protein (p.Trp620Ser). This variant is not present in population databases (gnomAD no frequency). This variant has not been reported in the literature in individuals affected with AXIN2-related conditions. ClinVar contains an entry for this variant (Variation ID: 571051). Advanced modeling of protein sequence and biophysical properties (such as structural, functional, and spatial information, amino acid conservation, physicochemical variation, residue mobility, and thermodynamic stability) performed at Invitae indicates that this missense variant is expected to disrupt AXIN2 protein function with a positive predictive value of 80%. In summary, the available evidence is currently insufficient to determine the role of this variant in disease. Therefore, it has been classified as a Variant of Uncertain Significance.

Ambry Genetics
Classification: Uncertain significance for Hereditary cancer-predisposing syndrome. Last evaluated: 2023-11-21. Review status: criteria provided, single submitter. Criteria: Ambry Variant Classification Scheme 2023. Collection method: clinical testing. Allele origin: germline.
Comment: The p.W620S variant (also known as c.1859G>C), located in coding exon 6 of the AXIN2 gene, results from a G to C substitution at nucleotide position 1859. The tryptophan at codon 620 is replaced by serine, an amino acid with highly dissimilar properties. This amino acid position is well conserved in available vertebrate species. In addition, this alteration is predicted to be deleterious by in silico analysis. Since supporting evidence is limited at this time, the clinical significance of this alteration remains unclear.

NM_004655.4(AXIN2):c.1859G>C (p.Trp620Ser)

Gene: AXIN2 (axin 2; minus strand). Cytogenetic location: 17q24.1.
Variant type: single nucleotide variant.
Coding change: c.1859G>C on transcript NM_004655.4 (MANE Select); coding-DNA position 1859, G replaced by C.
Protein change: p.Trp620Ser; replaces tryptophan 620 with serine.
Molecular consequence: missense variant. On other transcripts: intron variant (1).
Genome position (GRCh38, 1-based): chr17:65,536,917, C>G on the plus strand (G>C on the coding strand, the complement: AXIN2 is on the minus strand). VCF-style: chr17-65536917-C-G. GRCh37 (hg19) VCF-style: chr17-63533035-C-G.
Other names: c.1859G>C (LRG_296t1); c.1713-364G>C (NM_001363813.1); short protein forms W620S.
Identifiers: ClinVar variation 571051 (VCV000571051.13), dbSNP rs1567754854, ClinGen allele CA400676479.